The following is an entry in ClinVar:

ClinVar aggregate classification (germline): Benign. Review status: criteria provided, multiple submitters, no conflicts (2 of 4 stars). 2 submissions from 2 submitters: Benign (2). Last evaluated 2018-06-14.

Allele frequency attached by ClinVar (database versions not stated): gnomAD exomes 0.50205; 1000 Genomes Project 0.57728; 1000 Genomes Project 30x 0.58542; gnomAD 0.59612 and 0.60639; TOPMed 0.61221.
gnomAD v4.1: 487,684 of 940,620 alleles (52%); highest among the groups gnomAD compares: African/African-American, 86%; 131,513 homozygotes.

Submissions (2):

GeneDx
Classification: Benign. Last evaluated: 2018-06-14. Review status: criteria provided, single submitter. Criteria: GeneDx Variant Classification (06012015). Collection method: clinical testing. Allele origin: germline. Affected: yes.
Comment: This variant is considered likely benign or benign based on one or more of the following criteria: it is a conservative change, it occurs at a poorly conserved position in the protein, it is predicted to be benign by multiple in silico algorithms, and/or has population frequency not consistent with disease.

Breakthrough Genomics
Classification: Benign. Review status: criteria provided, single submitter. Criteria: ACMG Guidelines, 2015. Collection method: not provided. Allele origin: germline. Inheritance: Autosomal recessive inheritance. Affected: yes.

NM_016156.6(MTMR2):c.1770+129C>T

Gene: MTMR2 (myotubularin related protein 2; minus strand). Cytogenetic location: 11q21.
Variant type: single nucleotide variant.
Coding change: c.1770+129C>T on transcript NM_016156.6 (MANE Select); 129 bases into the intron after coding-DNA position 1770, C replaced by T.
Molecular consequence: intron variant.
Genome position (GRCh38, 1-based): chr11:95,836,019, G>A on the plus strand (C>T on the coding strand, the complement: MTMR2 is on the minus strand). VCF-style: chr11-95836019-G-A. GRCh37 (hg19) VCF-style: chr11-95569183-G-A.
Other names: c.1554+129C>T (NM_201281.3, NM_201278.3, NM_001243571.2).
Identifiers: ClinVar variation 683218 (VCV000683218.2), dbSNP rs499637, ClinGen allele CA15681858.